The following is an entry in ClinVar:

ClinVar aggregate classification (germline): Pathogenic/Likely pathogenic. Review status: criteria provided, multiple submitters, no conflicts (2 of 4 stars). 2 submissions from 2 submitters: Pathogenic (1); Likely pathogenic (1). Last evaluated 2023-08-10.

Conditions:
Bethlem myopathy 1A. Also called: Bethlem Muscular Dystrophy; MYOPATHY, BENIGN CONGENITAL, WITH CONTRACTURES; Bethlem myopathy 1. Identifiers: Orphanet 610, MedGen CN029274, MONDO:0024530, OMIM 158810.

Submissions (2):

Labcorp Genetics (formerly Invitae), Labcorp
Classification: Likely pathogenic for Bethlem myopathy 1A. Last evaluated: 2023-08-10. Review status: criteria provided, single submitter. Criteria: Invitae Variant Classification Sherloc (09022015). Collection method: clinical testing. Allele origin: germline.
Comment: This variant is not present in population databases (gnomAD no frequency). This sequence change affects an acceptor splice site in intron 5 of the COL6A2 gene. It is expected to disrupt RNA splicing. Variants that disrupt the donor or acceptor splice site typically lead to a loss of protein function (PMID: 16199547), and loss-of-function variants in COL6A2 are known to be disease-causing for autosomal recessive COL6A2-related conditions (PMID: 21280092, 20976770). However, certain variants affecting donor or acceptor splice sites in the triple helical domain of COL6A2 are expected to result in in-frame exon skipping and have been reported to cause autosomal dominant COL6A2-related conditions (PMID: 18366090). In summary, the currently available evidence indicates that the variant is pathogenic, but additional data are needed to prove that conclusively. Therefore, this variant has been classified as Likely Pathogenic. Algorithms developed to predict the effect of sequence changes on RNA splicing suggest that this variant may disrupt the consensus splice site. ClinVar contains an entry for this variant (Variation ID: 290251). Disruption of this splice site has been observed in individual(s) with autosomal dominant COL6A2-related conditions (Invitae). In at least one individual the variant was observed to be de novo.

Eurofins Ntd Llc (ga)
Classification: Pathogenic. Last evaluated: 2016-12-08. Review status: criteria provided, single submitter. Criteria: EGL Classification Definitions 2015. Collection method: clinical testing. Allele origin: germline. Observed: 1 variant allele, 1 heterozygote.

Literature cited by the submitters: PubMed 16199547 (cited by Labcorp Genetics (formerly Invitae), Labcorp); PubMed 21280092 (cited by Labcorp Genetics (formerly Invitae), Labcorp); PubMed 20976770 (cited by Labcorp Genetics (formerly Invitae), Labcorp); PubMed 18366090 (cited by Labcorp Genetics (formerly Invitae), Labcorp).

NM_001849.4(COL6A2):c.802-2A>G

Gene: COL6A2 (collagen type VI alpha 2 chain; plus strand). Cytogenetic location: 21q22.3.
Variant type: single nucleotide variant.
Coding change: c.802-2A>G on transcript NM_001849.4 (MANE Select); the canonical splice acceptor site of the intron before coding-DNA position 802, A replaced by G.
Molecular consequence: splice acceptor variant.
Genome position (GRCh38, 1-based): chr21:46,115,870, A>G. VCF-style: chr21-46115870-A-G. GRCh37 (hg19) VCF-style: chr21-47535784-A-G.
Other names: c.802-2A>G (NM_058174.3, NM_058175.3).
Identifiers: ClinVar variation 290251 (VCV000290251.9), dbSNP rs886044399, ClinGen allele CA10606708.
Genomic context (GRCh38, chr21:46,115,870, plus strand): 5'-GGTCCCCAGCTGCCTACCGCCCACCCTACCCTGCCTCGATGTACTCTTTTCTCTGCTTTT[A>G]GGGTGCCAAGGGCAACATGGGTGAGCCGGGAGAGCCTGGCCAGAAGGGAAGACAGGTGAG-3'